The following is an entry in ClinVar:

NM_000080.4(CHRNE):c.632C>T (p.Pro211Leu)

Genes: C17orf107 (chromosome 17 open reading frame 107; plus strand), CHRNE (cholinergic receptor nicotinic epsilon subunit; minus strand). Cytogenetic location: 17p13.2.
Variant type: single nucleotide variant.
Coding change: c.632C>T on transcript NM_000080.4 (MANE Select); coding-DNA position 632, C replaced by T.
Protein change: p.Pro211Leu; replaces proline 211 with leucine.
Molecular consequence: missense variant. On other transcripts: 3 prime UTR variant (1).
Genome position (GRCh38, 1-based): chr17:4,901,160, G>A on the plus strand (C>T on the coding strand, the complement: CHRNE is on the minus strand). VCF-style: chr17-4901160-G-A. GRCh37 (hg19) VCF-style: chr17-4804455-G-A.
Other names: c.*627G>A (NM_001145536.2); short protein forms P211L.
Identifiers: ClinVar variation 2439125 (VCV002439125.7), dbSNP rs773916039, ClinGen allele CA397305231.

ClinVar aggregate classification (germline): Conflicting classifications of pathogenicity. Review status: criteria provided, conflicting classifications (1 of 4 stars). 5 submissions from 5 submitters: Likely pathogenic (1); Uncertain significance (4). Last evaluated 2026-08-01.

Conditions:
Congenital myasthenic syndrome (CMS). Also called: Congenital Myasthenic Syndromes. Identifiers: Orphanet 590, MedGen C0751882, MeSH D020294, MONDO:0018940.
Congenital myasthenic syndrome 4A. Also called: Myasthenic syndrome, congenital, 4a, slow-channel; CONGENITAL MYASTHENIC SYNDROME TYPE Ia1; MYASTHENIC SYNDROME, CONGENITAL, 4A, SLOW-CHANNEL, AUTOSOMAL RECESSIVE. Identifiers: Orphanet 590, MedGen C4225413, MONDO:0011600, OMIM 605809.

Allele frequency attached by ClinVar (database versions not stated): TOPMed below 0.00001; gnomAD 0.00001.
gnomAD v4.1: 6 of 1,609,076 alleles (0.00037%); highest among the groups gnomAD compares: South Asian, 0.0055%; no homozygotes.

Submissions (5):

CeGaT Center for Human Genetics Tuebingen
Classification: Uncertain significance. Last evaluated: 2026-08-01. Review status: criteria provided, single submitter. Criteria: CeGaT Center For Human Genetics Tuebingen Variant Classification Criteria Version 2. Collection method: clinical testing. Allele origin: germline. Affected: yes. Observed: 1 variant allele.
Comment: CHRNE: PM2, PM3

Myriad Genetics, Inc.
Classification: Uncertain significance for Congenital myasthenic syndrome. Last evaluated: 2026-04-24. Review status: criteria provided, single submitter. Criteria: Myriad Autosomal Dominant, Autosomal Recessive and X-Linked Classification Criteria (2023). Collection method: clinical testing. Allele origin: unknown.
Comment: NM_000080.3(CHRNE):c.632C>T(P211L) is a missense variant classified as a variant of uncertain significance in the context of congenital myasthenic syndrome, CHRNE-related. P211L has been observed in a case with relevant disease (PMID: 33756069). Relevant functional assessments of this variant are not available in the literature. P211L has been observed in referenced population frequency databases. In summary, there is insufficient evidence to classify NM_000080.3(CHRNE):c.632C>T(P211L) as pathogenic or benign. Please note: this variant was assessed in the context of healthy population screening.

Labcorp Genetics (formerly Invitae), Labcorp
Classification: Uncertain significance for Congenital myasthenic syndrome 4A. Last evaluated: 2025-12-17. Review status: criteria provided, single submitter. Criteria: Invitae Variant Classification Sherloc (09022015). Collection method: clinical testing. Allele origin: germline.
Comment: This sequence change replaces proline, which is neutral and non-polar, with leucine, which is neutral and non-polar, at codon 211 of the CHRNE protein (p.Pro211Leu). The frequency data for this variant in the population databases is considered unreliable, as metrics indicate poor data quality at this position in the gnomAD database. This missense change has been observed in individual(s) with congenital myasthenic syndrome (PMID: 33756069). ClinVar contains an entry for this variant (Variation ID: 2439125). Invitae Evidence Modeling of protein sequence and biophysical properties (such as structural, functional, and spatial information, amino acid conservation, physicochemical variation, residue mobility, and thermodynamic stability) has been performed for this missense variant. However, the output from this modeling did not meet the statistical confidence thresholds required to predict the impact of this variant on CHRNE protein function. In summary, the available evidence is currently insufficient to determine the role of this variant in disease. Therefore, it has been classified as a Variant of Uncertain Significance.

Women's Health and Genetics/Laboratory Corporation of America, LabCorp
Classification: Uncertain significance. Last evaluated: 2024-09-12. Review status: criteria provided, single submitter. Criteria: LabCorp Variant Classification Summary - May 2015. Collection method: clinical testing. Allele origin: germline.
Comment: Variant summary: CHRNE c.632C>T (p.Pro211Leu) results in a non-conservative amino acid change located in the neurotransmitter-gated ion-channel ligand-binding domain (IPR006202) of the encoded protein sequence. Five of five in-silico tools predict a damaging effect of the variant on protein function. The variant allele was found at a frequency of 4.1e-06 in 243888 control chromosomes (gnomAD). The available data on variant occurrences in the general population are insufficient to allow any conclusion about variant significance. c.632C>T has been reported in the literature in at least an individual affected with Congenital Myasthenic Syndrome (example: Zhao_2021). These data do not allow any conclusion about variant significance. To our knowledge, no experimental evidence demonstrating an impact on protein function has been reported. The following publication has been ascertained in the context of this evaluation (PMID: 33756069). ClinVar contains an entry for this variant (Variation ID: 2439125). Based on the evidence outlined above, the variant was classified as uncertain significance.

Revvity Omics, Revvity
Classification: Likely pathogenic. Last evaluated: 2022-02-17. Review status: criteria provided, single submitter. Criteria: ACMG Guidelines, 2015. Collection method: clinical testing. Allele origin: germline.

Literature cited by the submitters: PubMed 33756069 (cited by 3 submitters).